The following is an entry in ClinVar:

NM_000038.6(APC):c.1190A>C (p.Asp397Ala)

Gene: APC (APC regulator of Wnt signaling pathway; plus strand). Cytogenetic location: 5q22.2.
Variant type: single nucleotide variant.
Coding change: c.1190A>C on transcript NM_000038.6 (MANE Select); coding-DNA position 1190, A replaced by C.
Protein change: p.Asp397Ala; replaces aspartic acid 397 with alanine.
Molecular consequence: missense variant. On other transcripts: intron variant (4).
Genome position (GRCh38, 1-based): chr5:112,819,222, A>C. VCF-style: chr5-112819222-A-C. GRCh37 (hg19) VCF-style: chr5-112154919-A-C.
Other names: c.1190A>C, p.Asp397Ala (NM_001127510.3, NM_001354895.2, NM_001354896.2); c.1136A>C, p.Asp379Ala (NM_001127511.3); c.1220A>C, p.Asp407Ala (NM_001354897.2); c.1115A>C, p.Asp372Ala (NM_001354898.2); c.1106A>C, p.Asp369Ala (NM_001354899.2); c.1013A>C, p.Asp338Ala (NM_001354900.2, NM_001354901.2); c.341A>C, p.Asp114Ala (NM_001354906.2); c.964-47A>C (NM_001354902.2); and 3 more; short protein forms D114A, D397A, D407A, D338A, D379A, D369A, D372A.
Identifiers: ClinVar variation 1510117 (VCV001510117.6), dbSNP rs1195229686, ClinGen allele CA16023910.
Genomic context (GRCh38, chr5:112,819,222, plus strand): 5'-AAGAGGCTCGGGCCAGGGCCAGTGCAGCACTCCACAACATCATTCACTCACAGCCTGATG[A>C]CAAGAGAGGCAGGCGTGAAATCCGAGTCCTTCATCTTTTGGAACAGATACGCGCTTACTG-3'
Protein context (NP_000029.2, residues 387-407): LHNIIHSQPD[Asp397Ala]KRGRREIRVL

ClinVar aggregate classification (germline): Uncertain significance (1 of 4 stars; one submission).

Conditions:
Familial adenomatous polyposis 1 (FAP1). Also called: FAMILIAL ADENOMATOUS POLYPOSIS 1, ATTENUATED; POLYPOSIS, ADENOMATOUS INTESTINAL. Identifiers: MedGen C2713442, MONDO:0021056, OMIM 175100. Disease mechanism: loss of function.

Allele frequency attached by ClinVar (database versions not stated): gnomAD exomes below 0.00001.
gnomAD v4.1: 1 of 1,613,992 alleles (0.000062%); highest among the groups gnomAD compares: Admixed American, 0.0017%; no homozygotes.

Submission:

Labcorp Genetics (formerly Invitae), Labcorp
Classification: Uncertain significance for Familial adenomatous polyposis 1. Last evaluated: 2026-01-20. Review status: criteria provided, single submitter. Criteria: Invitae Variant Classification Sherloc (09022015). Collection method: clinical testing. Allele origin: germline.
Comment: This sequence change replaces aspartic acid, which is acidic and polar, with alanine, which is neutral and non-polar, at codon 397 of the APC protein (p.Asp397Ala). This variant is present in population databases (no rsID available, gnomAD 0.003%). This variant has not been reported in the literature in individuals affected with APC-related conditions. ClinVar contains an entry for this variant (Variation ID: 1510117). Invitae Evidence Modeling of protein sequence and biophysical properties (such as structural, functional, and spatial information, amino acid conservation, physicochemical variation, residue mobility, and thermodynamic stability) indicates that this missense variant is not expected to disrupt APC protein function with a negative predictive value of 95%. In summary, the available evidence is currently insufficient to determine the role of this variant in disease. Therefore, it has been classified as a Variant of Uncertain Significance.